The following is an entry in ClinVar:

NM_001242896.3(DEPDC5):c.1300A>G (p.Lys434Glu)

Gene: DEPDC5 (DEP domain containing 5, GATOR1 subcomplex subunit; plus strand). Cytogenetic location: 22q12.3.
Variant type: single nucleotide variant.
Coding change: c.1300A>G on transcript NM_001242896.3 (MANE Select); coding-DNA position 1300, A replaced by G.
Protein change: p.Lys434Glu; replaces lysine 434 with glutamic acid.
Molecular consequence: missense variant. On other transcripts: non-coding transcript variant (5).
Genome position (GRCh38, 1-based): chr22:31,809,623, A>G. VCF-style: chr22-31809623-A-G. GRCh37 (hg19) VCF-style: chr22-32205609-A-G.
Other names: c.1300A>G, p.Lys434Glu (NM_001007188.4, NM_001136029.4, NM_001242897.2 and 7 more transcripts); c.1216A>G, p.Lys406Glu (NM_001369901.1, NM_001369902.1); short protein forms K406E, K434E.
Identifiers: ClinVar variation 2629877 (VCV002629877.1), dbSNP rs2519066530, ClinGen allele CA411276504.

ClinVar aggregate classification (germline): Uncertain significance (1 of 4 stars; one submission).

Conditions:
DEPDC5-related disorder. Also called: DEPDC5-related related disorder; DEPDC5-related condition.

Submission:

PreventionGenetics, part of Exact Sciences
Classification: Uncertain significance for DEPDC5-related condition. Last evaluated: 2023-01-31. Review status: criteria provided, single submitter. Criteria: ACMG Guidelines, 2015. Collection method: clinical testing. Allele origin: germline.
Comment: The DEPDC5 c.1300A>G variant is predicted to result in the amino acid substitution p.Lys434Glu. To our knowledge, this variant has not been reported in the literature or in a large population database, indicating this variant is rare. At this time, the clinical significance of this variant is uncertain due to the absence of conclusive functional and genetic evidence.